The following is an entry in ClinVar:

NM_001437.3(ESR2):c.689G>A (p.Arg230Gln)

Gene: ESR2 (estrogen receptor 2; minus strand). Cytogenetic location: 14q23.2.
Variant type: single nucleotide variant.
Coding change: c.689G>A on transcript NM_001437.3 (MANE Select); coding-DNA position 689, G replaced by A.
Protein change: p.Arg230Gln; replaces arginine 230 with glutamine.
Molecular consequence: missense variant. On other transcripts: non-coding transcript variant (2).
Genome position (GRCh38, 1-based): chr14:64,260,712, C>T on the plus strand (G>A on the coding strand, the complement: ESR2 is on the minus strand). VCF-style: chr14-64260712-C-T. GRCh37 (hg19) VCF-style: chr14-64727430-C-T.
Other names: c.689G>A, p.Arg230Gln (NM_001040275.1, NM_001214902.1, NM_001271876.1 and 3 more transcripts); c.689G>A (NM_001437.2); short protein forms R230Q.
Identifiers: ClinVar variation 2899712 (VCV002899712.4), dbSNP rs752856261, ClinGen allele CA7225478.
Genomic context (GRCh38, chr14:64,260,712, plus strand): 5'-CCGCCACTTCTCTTGGCCTTGCCGGCACAGTGCAGCTGCTCGTCGGCACTTCTCTGTCTC[C>T]GCACAAGGCGGTACCCACATCTCTCTCTCCGGGAGCCTGAAGAGGAAAGCAGAGTCATTC-3'
Protein context (NP_001428.1, residues 220-240): RRERCGYRLV[Arg230Gln]RQRSADEQLH

ClinVar aggregate classification (germline): Uncertain significance. Review status: criteria provided, multiple submitters, no conflicts (2 of 4 stars). 2 submissions from 2 submitters: Uncertain significance (2). Last evaluated 2024-03-18.

Allele frequency attached by ClinVar (database versions not stated): gnomAD 0.00003; TOPMed 0.00006; ExAC 0.00009.
gnomAD v4.1: 33 of 1,541,034 alleles (0.0021%); highest among the groups gnomAD compares: Admixed American, 0.053%; no homozygotes.

Submissions (2):

Ambry Genetics
Classification: Uncertain significance. Last evaluated: 2024-03-18. Review status: criteria provided, single submitter. Criteria: Ambry Variant Classification Scheme 2023. Collection method: clinical testing. Allele origin: germline.

Labcorp Genetics (formerly Invitae), Labcorp
Classification: Uncertain significance. Last evaluated: 2023-11-15. Review status: criteria provided, single submitter. Criteria: Invitae Variant Classification Sherloc (09022015). Collection method: clinical testing. Allele origin: germline.
Comment: This sequence change replaces arginine, which is basic and polar, with glutamine, which is neutral and polar, at codon 230 of the ESR2 protein (p.Arg230Gln). This variant is present in population databases (rs752856261, gnomAD 0.09%), and has an allele count higher than expected for a pathogenic variant. This variant has not been reported in the literature in individuals affected with ESR2-related conditions. Advanced modeling of protein sequence and biophysical properties (such as structural, functional, and spatial information, amino acid conservation, physicochemical variation, residue mobility, and thermodynamic stability) performed at Invitae indicates that this missense variant is not expected to disrupt ESR2 protein function with a negative predictive value of 80%. In summary, the available evidence is currently insufficient to determine the role of this variant in disease. Therefore, it has been classified as a Variant of Uncertain Significance.